The following is an entry in ClinVar:

NM_001160372.4(TRAPPC9):c.2921G>A (p.Arg974Gln)

Gene: TRAPPC9 (trafficking protein particle complex subunit 9; minus strand). Cytogenetic location: 8q24.3.
Variant type: single nucleotide variant.
Coding change: c.2921G>A on transcript NM_001160372.4 (MANE Select); coding-DNA position 2921, G replaced by A.
Protein change: p.Arg974Gln; replaces arginine 974 with glutamine.
Molecular consequence: missense variant. On other transcripts: non-coding transcript variant (1).
Genome position (GRCh38, 1-based): chr8:139,910,190, C>T on the plus strand (G>A on the coding strand, the complement: TRAPPC9 is on the minus strand). VCF-style: chr8-139910190-C-T. GRCh37 (hg19) VCF-style: chr8-140922434-C-T.
Other names: c.2894G>A, p.Arg965Gln (NM_001321646.2); c.2942G>A, p.Arg981Gln (NM_001374682.1); c.2810G>A, p.Arg937Gln (NM_001374683.1); c.2777G>A, p.Arg926Gln (NM_001374684.1); c.2921G>A, p.Arg974Gln (NM_031466.8); c.3215G>A (NM_031466.7); short protein forms R974Q, R965Q, R926Q, R937Q, R981Q.
Identifiers: ClinVar variation 212427 (VCV000212427.11), dbSNP rs562020701, ClinGen allele CA209738.
Genomic context (GRCh38, chr8:139,910,190, plus strand): 5'-CCCCTGGAAAAGGATATGATTCTCCAGCAGATGCCCAGCTTGCTGTGGATCTCCAGGCCT[C>T]GGGCTTCCCGCCGCTCTTCCTCCAGCTGCTTGGGGTTTGCAAATTGCCCCTTCTCCCCAG-3'
Protein context (NP_001153844.1, residues 964-984): KQLEEERREA[Arg974Gln]GLEIHSKLGI

ClinVar aggregate classification (germline): Conflicting classifications of pathogenicity. Review status: criteria provided, conflicting classifications (1 of 4 stars). 3 submissions from 3 submitters: Uncertain significance (2); Likely benign (1). Last evaluated 2026-07-13.

Conditions:
TRAPPC9-related disorder. Also called: TRAPPC9-related condition.

Allele frequency attached by ClinVar (database versions not stated): gnomAD 0.00009; TOPMed 0.00014; 1000 Genomes Project 30x 0.00016.
gnomAD v4.1: 132 of 1,613,624 alleles (0.0082%); highest among the groups gnomAD compares: East Asian, 0.15%; 1 homozygote.

Submissions (3):

PreventionGenetics, part of Exact Sciences
Classification: Likely benign for TRAPPC9-related condition. Last evaluated: 2026-07-13. Review status: criteria provided, single submitter. Criteria: ACMG Guidelines, 2015. Collection method: clinical testing. Allele origin: germline.
Comment: This variant is classified as likely benign based on ACMG/AMP sequence variant interpretation guidelines (Richards et al. 2015 PMID: 25741868, with internal and published modifications).

Labcorp Genetics (formerly Invitae), Labcorp
Classification: Uncertain significance. Last evaluated: 2022-10-04. Review status: criteria provided, single submitter. Criteria: Invitae Variant Classification Sherloc (09022015). Collection method: clinical testing. Allele origin: germline.
Comment: This sequence change replaces arginine, which is basic and polar, with glutamine, which is neutral and polar, at codon 1072 of the TRAPPC9 protein (p.Arg1072Gln). This variant is present in population databases (rs562020701, gnomAD 0.2%). This variant has not been reported in the literature in individuals affected with TRAPPC9-related conditions. ClinVar contains an entry for this variant (Variation ID: 212427). Algorithms developed to predict the effect of missense changes on protein structure and function are either unavailable or do not agree on the potential impact of this missense change (SIFT: "Not Available"; PolyPhen-2: "Probably Damaging"; Align-GVGD: "Not Available"). In summary, the available evidence is currently insufficient to determine the role of this variant in disease. Therefore, it has been classified as a Variant of Uncertain Significance.

Genetic Services Laboratory, University of Chicago
Classification: Uncertain significance. Last evaluated: 2015-07-28. Review status: criteria provided, single submitter. Criteria: ACMG Guidelines, 2015. Collection method: clinical testing. Allele origin: germline.